The following is an entry in ClinVar:

ClinVar aggregate classification (germline): Conflicting classifications of pathogenicity. Review status: criteria provided, conflicting classifications (1 of 4 stars). 13 submissions from 12 submitters: Uncertain significance (6); Benign (2); Likely benign (4). 1 of the submissions does not count toward it. Last evaluated 2026-03-01.

Conditions:
Familial Mediterranean fever (FMF). Also called: Periodic peritonitis; Benign paroxysmal peritonitis; POLYSEROSITIS, FAMILIAL PAROXYSMAL; POLYSEROSITIS, RECURRENT. Identifiers: Orphanet 342, MedGen C0031069, MONDO:0018088, OMIM 249100. Disease mechanism: gain of function.
Familial Mediterranean fever, autosomal dominant. Also called: Dominant Familial Mediterranean Fever; FMF, AUTOSOMAL DOMINANT. Identifiers: Orphanet 342, MedGen C1851347, MONDO:0007601, OMIM 134610.
Acute febrile neutrophilic dermatosis (AFND). Also called: Gomm Button disease; Sweet Syndrome. Identifiers: Orphanet 3243, MedGen C0085077, MONDO:0011959, OMIM 608068.
Autoinflammatory syndrome. Identifiers: Orphanet 93665, MedGen C3890737, MONDO:0019751.

Allele frequency attached by ClinVar (database versions not stated): TOPMed 0.00347; ESP Exome Variant Server 0.00369; 1000 Genomes Project 0.00719; 1000 Genomes Project 30x 0.00781.
gnomAD v4.1: 1,090 of 1,614,194 alleles (0.068%); highest among the groups gnomAD compares: African/African-American, 1.1%; 5 homozygotes.

Submissions (13):

CeGaT Center for Human Genetics Tuebingen
Classification: Benign. Last evaluated: 2026-03-01. Review status: criteria provided, single submitter. Criteria: CeGaT Center For Human Genetics Tuebingen Variant Classification Criteria Version 2. Collection method: clinical testing. Allele origin: germline. Affected: yes. Observed: 1 variant allele.
Comment: MEFV: BP4, BS1, BS2

Women's Health and Genetics/Laboratory Corporation of America, LabCorp
Classification: Likely benign. Last evaluated: 2026-02-11. Review status: criteria provided, single submitter. Criteria: LabCorp Variant Classification Summary - May 2015. Collection method: clinical testing. Allele origin: germline.
Comment: Variant summary: MEFV c.1318C>G (p.Gln440Glu) results in a conservative amino acid change in the encoded protein sequence. Algorithms developed to predict the effect of missense changes on protein structure and function all suggest that this variant is likely to be tolerated. The variant allele was found at a frequency of 0.00068 in 1614194 control chromosomes, predominantly at a frequency of 0.011 within the African or African-American subpopulation in the gnomAD database, including 5 homozygotes. This frequency is close to that estimated for a pathogenic variant in MEFV causing Familial Mediterranean Fever (0.013 vs 0.022), suggestive of a benign outcome. c.1318C>G has been reported in the literature in the presumed compound heterozygous state with a likely benign variant in at least 1 individual with FMF (example, Bustaff_2025), without strong evidence for causality, and as a likely benign variant using Rare Exome Variant Ensemble Learner (REVEL). This proposed classification has also been validated by the INFEVERS database (example, Accetturo_2020). These report(s) do not provide unequivocal conclusions about association of the variant with Familial Mediterranean Fever. To our knowledge, no experimental evidence demonstrating an impact on protein function has been reported. The following publications have been ascertained in the context of this evaluation (PMID: 31411330, 22995991, 29178647, 28421071, 25760918, 24117178, 41335224, 30476936, 40252570, 37298536, 32082075). ClinVar contains an entry for this variant (Variation ID: 36499). Based on the evidence outlined above, the variant was classified as likely benign.

Labcorp Genetics (formerly Invitae), Labcorp
Classification: Benign for Familial Mediterranean fever. Last evaluated: 2026-02-02. Review status: criteria provided, single submitter. Criteria: Invitae Variant Classification Sherloc (09022015). Collection method: clinical testing. Allele origin: germline.

ARUP Laboratories, Molecular Genetics and Genomics, ARUP Laboratories
Classification: Uncertain significance. Last evaluated: 2025-04-30. Review status: criteria provided, single submitter. Criteria: ARUP Molecular Germline Variant Investigation Process 2024. Collection method: clinical testing. Allele origin: germline.
Comment: The MEFV c.1318C>G; p.Gln440Glu variant (rs11466026) has been described in an individual with periodic fever adenitis pharyngitis aphthous ulcer syndrome (see link below), but has been described as likely benign due to allele frequency and prediction of functional impact (Accetturo 2020, Moradian 2017). The variant is reported in the ClinVar database (Variation ID: 36499) and is reported in the African population with an allele frequency of 1.2% (297/24962 alleles including 1 homozygote) in the Genome Aggregation Database v2.1.1. The glutamine at codon 440 is moderately conserved, but computational analyses predict that this variant is neutral (REVEL: 0.124). Although this variant has been described with a relatively high population frequency, we cannot exclude the possibility that this is a mild pathogenic variant. However, given the lack of clinical and functional data, the significance of the p.Gln440Glu variant is uncertain at this time. References: Link to MEFV Q440E in Infevers database: Accetturo M et al. Improvement of MEFV gene variants classification to aid treatment decision making in familial Mediterranean fever. Rheumatology (Oxford). 2020 Apr 1;59(4):754-761. PMID: 31411330. Moradian MM et al. Comprehensive analysis of mutations in the MEFV gene reveal that the location and not the substitution type determines symptom severity in FMF. Mol Genet Genomic Med. 2017 Nov;5(6):742-750. PMID: 29178647.

Blueprint Genetics
Classification: Likely benign. Last evaluated: 2024-10-17. Review status: criteria provided, single submitter. Criteria: ACMG Guidelines, 2015. Collection method: clinical testing. Allele origin: germline.

GeneDx
Classification: Uncertain significance. Last evaluated: 2023-06-09. Review status: criteria provided, single submitter. Criteria: GeneDx Variant Classification Process June 2021. Collection method: clinical testing. Allele origin: germline. Affected: yes.
Comment: Reported in InFevers database in a patient with periodic fever adenitis pharyngitis aphthous ulcer (PFAPA) syndrome (Cazeneuve et al., 2007); In silico analysis supports that this missense variant does not alter protein structure/function; This variant is associated with the following publications: (PMID: 22995991, 29178647, 28421071, 25760918, 24117178)

Center for Genomics, Ann and Robert H. Lurie Children's Hospital of Chicago
Classification: Uncertain significance for Acute febrile neutrophilic dermatosis; Familial Mediterranean fever; Familial Mediterranean fever, autosomal dominant. Last evaluated: 2022-06-03. Review status: criteria provided, single submitter. Criteria: ACMG Guidelines, 2015. Collection method: clinical testing. Allele origin: germline.
Comment: MEFV NM_000243.2 exon 4 p.Gln440Glu (c.1318C>G): This variant has not been reported in the literature but has been identified in 1 individual with PFAPA (periodic fevers with apthous stomatits, pharyngitis and adenitis) syndrome in the Infevers database. This variant is present in 1% (297/24962) of African alleles, including 1 homozygote in the Genome Aggregation Database. This variant is present in ClinVar (Variation ID:36499). Evolutionary conservation and computational predictive tools suggest that this variant may not impact the protein. In summary, data on this variant is insufficient for disease classification. Therefore, the clinical significance of this variant is uncertain.

Genome Diagnostics Laboratory, The Hospital for Sick Children
Classification: Likely benign for Autoinflammatory syndrome. Last evaluated: 2020-03-01. Review status: criteria provided, single submitter. Criteria: ACMG Guidelines, 2015. Collection method: clinical testing. Allele origin: germline. Affected: yes.

Center for Genomics, Ann and Robert H. Lurie Children's Hospital of Chicago
Classification: Uncertain significance for Familial Mediterranean fever, autosomal dominant; Familial Mediterranean fever. Last evaluated: 2019-11-22. Review status: criteria provided, single submitter. Criteria: ACMG Guidelines, 2015. Collection method: clinical testing. Allele origin: germline.
Comment: the same text as in the submission from Center for Genomics, Ann and Robert H. Lurie Children's Hospital of Chicago above.

Mendelics
Classification: Uncertain significance for Familial Mediterranean fever. Last evaluated: 2019-05-28. Review status: criteria provided, single submitter. Criteria: Mendelics Assertion Criteria 2017. Collection method: clinical testing. Allele origin: unknown.

Laboratorio de Genetica e Diagnostico Molecular, Hospital Israelita Albert Einstein
Classification: Likely benign. Last evaluated: 2019-04-05. Review status: criteria provided, single submitter. Criteria: ACMG Guidelines, 2015. Collection method: clinical testing. Allele origin: germline. Affected: yes.
Comment: ACMG classification criteria: BP4, BP6

Eurofins Ntd Llc (ga)
Classification: Uncertain significance. Last evaluated: 2016-10-03. Review status: criteria provided, single submitter. Criteria: EGL Classification Definitions 2015. Collection method: clinical testing. Allele origin: germline. Observed: 1 variant allele, 1 heterozygote.

Natera, Inc.
Classification: Likely benign for Familial Mediterranean fever. Last evaluated: 2020-06-17. Review status: no assertion criteria provided. Collection method: clinical testing. Allele origin: germline. Not counted in ClinVar's aggregate classification.

Literature cited by the submitters: PubMed 22995991 (cited by Women's Health and Genetics/Laboratory Corporation of America, LabCorp); PubMed 24117178 (cited by Women's Health and Genetics/Laboratory Corporation of America, LabCorp); PubMed 25760918 (cited by Women's Health and Genetics/Laboratory Corporation of America, LabCorp); PubMed 28421071 (cited by Women's Health and Genetics/Laboratory Corporation of America, LabCorp); PubMed 29178647 (cited by Women's Health and Genetics/Laboratory Corporation of America, LabCorp); PubMed 31411330 (cited by Women's Health and Genetics/Laboratory Corporation of America, LabCorp); PubMed 32082075 (cited by Women's Health and Genetics/Laboratory Corporation of America, LabCorp); PubMed 30476936 (cited by Women's Health and Genetics/Laboratory Corporation of America, LabCorp); PubMed 37298536 (cited by Women's Health and Genetics/Laboratory Corporation of America, LabCorp); PubMed 41335224 (cited by Women's Health and Genetics/Laboratory Corporation of America, LabCorp); PubMed 40252570 (cited by Women's Health and Genetics/Laboratory Corporation of America, LabCorp).

NM_000243.3(MEFV):c.1318C>G (p.Gln440Glu)

Gene: MEFV (MEFV innate immunity regulator, pyrin; minus strand). Cytogenetic location: 16p13.3.
Variant type: single nucleotide variant.
Coding change: c.1318C>G on transcript NM_000243.3 (MANE Select); coding-DNA position 1318, C replaced by G.
Protein change: p.Gln440Glu; replaces glutamine 440 with glutamic acid.
Molecular consequence: missense variant.
Genome position (GRCh38, 1-based): chr16:3,248,947, G>C on the plus strand (C>G on the coding strand, the complement: MEFV is on the minus strand). VCF-style: chr16-3248947-G-C. GRCh37 (hg19) VCF-style: chr16-3298947-G-C.
Other names: c.685C>G, p.Gln229Glu (NM_001198536.2); short protein forms Q440E, Q229E.
Identifiers: ClinVar variation 36499 (VCV000036499.47), dbSNP rs11466026, ClinGen allele CA280245.